The following is an entry in ClinVar:

ClinVar aggregate classification (germline): Uncertain significance (1 of 4 stars; one submission).

Allele frequency attached by ClinVar (database versions not stated): gnomAD exomes below 0.00001.
gnomAD v4.1: 4 of 1,611,392 alleles (0.00025%); highest among the groups gnomAD compares: East Asian, 0.0022%; no homozygotes.

Submission:

Labcorp Genetics (formerly Invitae), Labcorp
Classification: Uncertain significance. Last evaluated: 2022-03-26. Review status: criteria provided, single submitter. Criteria: Invitae Variant Classification Sherloc (09022015). Collection method: clinical testing. Allele origin: germline.
Comment: In summary, the available evidence is currently insufficient to determine the role of this variant in disease. Therefore, it has been classified as a Variant of Uncertain Significance. Variants that disrupt the consensus splice site are a relatively common cause of aberrant splicing (PMID: 17576681, 9536098). Algorithms developed to predict the effect of sequence changes on RNA splicing suggest that this variant is not likely to affect RNA splicing. This variant has not been reported in the literature in individuals affected with DHX32-related conditions. This variant is not present in population databases (gnomAD no frequency). This sequence change falls in intron 2 of the DHX32 gene. It does not directly change the encoded amino acid sequence of the DHX32 protein. It affects a nucleotide within the consensus splice site.

Literature cited by the submitters: PubMed 17576681; PubMed 9536098.

NM_018180.3(DHX32):c.476+3T>G

Gene: DHX32 (DEAH-box helicase 32 (putative); minus strand). Cytogenetic location: 10q26.2.
Variant type: single nucleotide variant.
Coding change: c.476+3T>G on transcript NM_018180.3 (MANE Select); 3 bases into the intron after coding-DNA position 476, T replaced by G.
Molecular consequence: intron variant.
Genome position (GRCh38, 1-based): chr10:125,866,987, A>C on the plus strand (T>G on the coding strand, the complement: DHX32 is on the minus strand). VCF-style: chr10-125866987-A-C. GRCh37 (hg19) VCF-style: chr10-127555556-A-C.
Identifiers: ClinVar variation 1923467 (VCV001923467.5), dbSNP rs374452290, ClinGen allele CA215356714.